The following is an entry in ClinVar:

NM_002206.3(ITGA7):c.1281+13G>A

Gene: ITGA7 (integrin subunit alpha 7; minus strand). Cytogenetic location: 12q13.2.
Variant type: single nucleotide variant.
Coding change: c.1281+13G>A on transcript NM_002206.3 (MANE Select); 13 bases into the intron after coding-DNA position 1281, G replaced by A.
Molecular consequence: intron variant.
Genome position (GRCh38, 1-based): chr12:55,697,925, C>T on the plus strand (G>A on the coding strand, the complement: ITGA7 is on the minus strand). VCF-style: chr12-55697925-C-T. GRCh37 (hg19) VCF-style: chr12-56091709-C-T.
Other names: c.1002+13G>A (NM_001144997.2); c.954+13G>A (NM_001367993.1); c.942+13G>A (NM_001414035.1); c.1098+13G>A (NM_001414033.1); c.-12+13G>A (NM_001367994.1); c.1161+13G>A (NM_001414032.1); c.1194+13G>A (NM_001414031.1); c.1281+13G>A (NM_001374465.1, NM_001414034.1); and 3 more.
Identifiers: ClinVar variation 258580 (VCV000258580.19), dbSNP rs143895796, ClinGen allele CA6616010.

ClinVar aggregate classification (germline): Benign/Likely benign. Review status: criteria provided, multiple submitters, no conflicts (2 of 4 stars). 6 submissions from 6 submitters: Benign (2); Likely benign (4). Last evaluated 2026-01-28.

Conditions:
Congenital muscular dystrophy due to integrin alpha-7 deficiency. Also called: MYOPATHY, CONGENITAL, DUE TO INTEGRIN ALPHA-7 DEFICIENCY; Congenital muscular dystrophy with integrin alpha-7 deficiency; Muscular dystrophy, congenital, due to ITGA7 deficiency. Identifiers: Orphanet 34520, MedGen C2750786, MONDO:0013177, OMIM 613204.

Allele frequency attached by ClinVar (database versions not stated): gnomAD exomes 0.00163; 1000 Genomes Project 30x 0.00531; 1000 Genomes Project 0.00559; ESP Exome Variant Server 0.00700; gnomAD 0.00701; TOPMed 0.00751.
gnomAD v4.1: 2,129 of 1,614,088 alleles (0.13%); highest among the groups gnomAD compares: African/African-American, 2.1%; 18 homozygotes.

Submissions (6):

Labcorp Genetics (formerly Invitae), Labcorp
Classification: Benign for Congenital muscular dystrophy due to integrin alpha-7 deficiency. Last evaluated: 2026-01-28. Review status: criteria provided, single submitter. Criteria: Invitae Variant Classification Sherloc (09022015). Collection method: clinical testing. Allele origin: germline.

Blueprint Genetics
Classification: Likely benign. Last evaluated: 2024-11-26. Review status: criteria provided, single submitter. Criteria: ACMG Guidelines, 2015. Collection method: clinical testing. Allele origin: germline.

GeneDx
Classification: Likely benign. Last evaluated: 2017-11-08. Review status: criteria provided, single submitter. Criteria: GeneDx Variant Classification (06012015). Collection method: clinical testing. Allele origin: germline. Affected: yes.
Comment: This variant is considered likely benign or benign based on one or more of the following criteria: it is a conservative change, it occurs at a poorly conserved position in the protein, it is predicted to be benign by multiple in silico algorithms, and/or has population frequency not consistent with disease.

Center for Pediatric Genomic Medicine, Children's Mercy Hospital and Clinics
Classification: Likely benign. Last evaluated: 2017-05-03. Review status: criteria provided, single submitter. Criteria: ACMG Guidelines, 2015. Collection method: clinical testing. Allele origin: germline.

Breakthrough Genomics
Classification: Likely benign. Review status: criteria provided, single submitter. Criteria: ACMG Guidelines, 2015. Collection method: not provided. Allele origin: germline. Inheritance: Autosomal recessive inheritance. Affected: yes.

PreventionGenetics, part of Exact Sciences
Classification: Benign. Review status: criteria provided, single submitter. Criteria: ACMG Guidelines, 2015. Collection method: clinical testing. Allele origin: germline.